The following is an entry in ClinVar:

ClinVar aggregate classification (germline): Uncertain significance (1 of 4 stars; one submission).

Conditions:
Mucopolysaccharidosis, MPS-IV-B (MPS4B). Also called: Mucopolysaccharidosis type 4B; Mucopolysaccharidosis type IVB (Morquio); MPS IVB; MORQUIO SYNDROME B; Mucopolysaccharidosis type IV B; Mucopolysaccharidosis Type IVB. Identifiers: Orphanet 309310, Orphanet 582, MedGen C0086652, MONDO:0009660, OMIM 253010.
GM1 gangliosidosis. Identifiers: Orphanet 354, MedGen C0085131, MONDO:0018149.

Allele frequency attached by ClinVar (database versions not stated): ExAC 0.00001.
gnomAD v4.1: 2 of 1,614,256 alleles (0.00012%); highest among the groups gnomAD compares: Admixed American, 0.0017%; no homozygotes.

Submission:

Labcorp Genetics (formerly Invitae), Labcorp
Classification: Uncertain significance for Mucopolysaccharidosis, MPS-IV-B; GM1 gangliosidosis. Last evaluated: 2023-06-15. Review status: criteria provided, single submitter. Criteria: Invitae Variant Classification Sherloc (09022015). Collection method: clinical testing. Allele origin: germline.
Comment: This sequence change falls in intron 8 of the GLB1 gene. It does not directly change the encoded amino acid sequence of the GLB1 protein. It affects a nucleotide within the consensus splice site. In summary, the available evidence is currently insufficient to determine the role of this variant in disease. Therefore, it has been classified as a Variant of Uncertain Significance. Variants that disrupt the consensus splice site are a relatively common cause of aberrant splicing (PMID: 17576681, 9536098). Algorithms developed to predict the effect of sequence changes on RNA splicing suggest that this variant may disrupt the consensus splice site. This variant has not been reported in the literature in individuals affected with GLB1-related conditions. This variant is present in population databases (rs765185238, gnomAD 0.004%).

Literature cited by the submitters: PubMed 17576681; PubMed 9536098.

NM_000404.4(GLB1):c.914+5G>A

Gene: GLB1 (galactosidase beta 1; minus strand). Cytogenetic location: 3p22.3.
Variant type: single nucleotide variant.
Coding change: c.914+5G>A on transcript NM_000404.4 (MANE Select); 5 bases into the intron after coding-DNA position 914, G replaced by A.
Molecular consequence: intron variant.
Genome position (GRCh38, 1-based): chr3:33,051,878, C>T on the plus strand (G>A on the coding strand, the complement: GLB1 is on the minus strand). VCF-style: chr3-33051878-C-T. GRCh37 (hg19) VCF-style: chr3-33093370-C-T.
Other names: c.914+5G>A (NM_001393580.1); c.521+5G>A (NM_001135602.3); c.1058+5G>A (NM_001317040.2); c.824+5G>A (NM_001079811.3).
Identifiers: ClinVar variation 2937281 (VCV002937281.3), dbSNP rs765185238, ClinGen allele CA2299569.
Genomic context (GRCh38, chr3:33,051,878, plus strand): 5'-CACGGTACTTCACTGTGAGCCCATGGCTACTGAGGGCACCCTCCCCTCAGGCAATGAACA[C>T]TCACAAGTTCACACTCGCCCCACGGGCAAGTATATCATAGAGGGAGGAAGCCACTGCTTC-3'